The following is an entry in ClinVar:

ClinVar aggregate classification (germline): Conflicting classifications of pathogenicity. Review status: criteria provided, conflicting classifications (1 of 4 stars). 2 submissions from 2 submitters: Uncertain significance (1); Likely benign (1). Last evaluated 2024-11-09.

Conditions:
Ataxia-telangiectasia syndrome (AT). Also called: Ataxia-telangiectasia, complementation group D; AT, COMPLEMENTATION GROUP C; ATAXIA-TELANGIECTASIA, COMPLEMENTATION GROUP A; ATAXIA-TELANGIECTASIA, FRESNO VARIANT; Ataxia-telangiectasia; Cerebello-oculocutaneous telangiectasia. Identifiers: Orphanet 100, MedGen C0004135, MONDO:0008840, OMIM 208900.
Hereditary cancer-predisposing syndrome. Also called: Hereditary neoplastic syndrome; Neoplastic Syndromes, Hereditary; Tumor predisposition; Hereditary Cancer Syndrome. Identifiers: Orphanet 140162, MedGen C0027672, MeSH D009386, MONDO:0015356.

Submissions (2):

Ambry Genetics
Classification: Likely benign for Hereditary cancer-predisposing syndrome. Last evaluated: 2024-11-09. Review status: criteria provided, single submitter. Criteria: Ambry Variant Classification Scheme 2023. Collection method: clinical testing. Allele origin: germline.

Labcorp Genetics (formerly Invitae), Labcorp
Classification: Uncertain significance for Ataxia-telangiectasia syndrome. Last evaluated: 2020-01-21. Review status: criteria provided, single submitter. Criteria: Invitae Variant Classification Sherloc (09022015). Collection method: clinical testing. Allele origin: germline.
Comment: This variant has not been reported in the literature in individuals with ATM-related conditions. Algorithms developed to predict the effect of missense changes on protein structure and function (SIFT, PolyPhen-2, Align-GVGD) all suggest that this variant is likely to be tolerated, but these predictions have not been confirmed by published functional studies and their clinical significance is uncertain. In summary, the available evidence is currently insufficient to determine the role of this variant in disease. Therefore, it has been classified as a Variant of Uncertain Significance. This variant is not present in population databases (ExAC no frequency). This sequence change replaces glutamic acid with glutamine at codon 672 of the ATM protein (p.Glu672Gln). The glutamic acid residue is weakly conserved and there is a small physicochemical difference between glutamic acid and glutamine.

NM_000051.4(ATM):c.2014G>C (p.Glu672Gln)

Gene: ATM (ATM serine/threonine kinase; plus strand). Cytogenetic location: 11q22.3.
Variant type: single nucleotide variant.
Coding change: c.2014G>C on transcript NM_000051.4 (MANE Select); coding-DNA position 2014, G replaced by C.
Protein change: p.Glu672Gln; replaces glutamic acid 672 with glutamine.
Molecular consequence: missense variant.
Genome position (GRCh38, 1-based): chr11:108,253,929, G>C. VCF-style: chr11-108253929-G-C. GRCh37 (hg19) VCF-style: chr11-108124656-G-C.
Other names: c.2014G>C, p.Glu672Gln (NM_001351834.2); short protein forms E672Q.
Identifiers: ClinVar variation 1007185 (VCV001007185.12), dbSNP rs2080305905, ClinGen allele CA382537096.